The following is an entry in ClinVar:

NM_001386393.1(PANK2):c.498_499del (p.Cys166fs)

Gene: PANK2 (pantothenate kinase 2; plus strand). Cytogenetic location: 20p13.
Variant type: Microsatellite.
Coding change: c.498_499del on transcript NM_001386393.1 (MANE Select); coding-DNA positions 498 to 499, 2 bases deleted (TG; older notation c.498_499delTG).
Protein change: p.Cys166fs; shifts the reading frame from cysteine 166.
Molecular consequence: frameshift variant. On other transcripts: 5 prime UTR variant (4), non-coding transcript variant (1).
Genome position (GRCh38, 1-based): chr20:3,908,125-3,908,126, TG deleted; deleting any 2 consecutive bases within chr20:3,908,121-3,908,126 gives the same sequence; the c. name uses the placement nearest the transcript's 3' end. VCF-style (leftmost placement, unchanged base first): chr20-3908120-CTG-C. GRCh37 (hg19) VCF-style: chr20-3888767-CTG-C.
Other names: c.-50TG[2] (NM_001324191.2, NM_024960.6, NM_153640.4); c.828_829del, p.Cys276fs (NM_001324192.1, NM_153638.4); c.-342TG[2] (NM_001324193.2); short protein forms C166fs, C276fs.
Identifiers: ClinVar variation 2585439 (VCV002585439.6), dbSNP rs748911913, ClinGen allele CA9750706.
Genomic context (GRCh38, chr20:3,908,120, plus strand): 5'-AATGTGGCTTATGGGTCTACAGGCATTCGGGACGTGCACCTCGAGCTGAAGGACCTGACT[CTG>C]TGTGGACGCAAAGGCAATCTGCACTTTATACGCTTTCCCACTCATGACATGCCTGCTTTT-3'

ClinVar aggregate classification (germline): Pathogenic/Likely pathogenic. Review status: criteria provided, multiple submitters, no conflicts (2 of 4 stars). 3 submissions from 3 submitters: Pathogenic (1); Likely pathogenic (2). Last evaluated 2025-09-10.

Conditions:
Pigmentary pallidal degeneration (NBIA1). Also called: Neuroaxonal dystrophy, late infantile; Hallervorden-Spatz disease; Pantothenate Kinase-Associated Neurodegeneration; Neurodegeneration with brain iron accumulation 1; PKAN NEUROAXONAL DYSTROPHY, JUVENILE-ONSET; HARP SYNDROME. Identifiers: Orphanet 157850, MedGen C0018523, MONDO:0009319, OMIM 234200.

Submissions (3):

Genomic Medicine Center of Excellence, King Faisal Specialist Hospital and Research Centre
Classification: Likely pathogenic for Pigmentary pallidal degeneration. Last evaluated: 2025-09-10. Review status: criteria provided, single submitter. Criteria: ACMG Guidelines, 2015. Collection method: clinical testing. Allele origin: germline.

Labcorp Genetics (formerly Invitae), Labcorp
Classification: Pathogenic for Pigmentary pallidal degeneration. Last evaluated: 2023-10-25. Review status: criteria provided, single submitter. Criteria: Invitae Variant Classification Sherloc (09022015). Collection method: clinical testing. Allele origin: germline.
Comment: This sequence change creates a premature translational stop signal (p.Cys276Trpfs*15) in the PANK2 gene. It is expected to result in an absent or disrupted protein product. Loss-of-function variants in PANK2 are known to be pathogenic (PMID: 11479594, 12510040). This variant is present in population databases (rs748911913, gnomAD 0.006%). This premature translational stop signal has been observed in individual(s) with neurodegeneration with brain iron accumulation (PMID: 20925075, 28567303). This variant is also known as c.498_499delITG. Algorithms developed to predict the effect of sequence changes on RNA splicing suggest that this variant may disrupt the consensus splice site. For these reasons, this variant has been classified as Pathogenic.

Neuberg Centre For Genomic Medicine, NCGM
Classification: Likely pathogenic for Pigmentary pallidal degeneration. Review status: criteria provided, single submitter. Criteria: ACMG Guidelines, 2015. Collection method: clinical testing. Allele origin: germline. Inheritance: Autosomal recessive inheritance. Affected: yes. Observed: 1 homozygote.
Comment: The frameshift c.498_499del (p.Cys166TrpfsTer15) in the PANK2 gene has not been reported previously as a pathogenic variant nor as a benign variant, to our knowledge. This variant is reported with the allele frequency (0.001%) in the gnomAD Exomes and novel in 1000 Genomes. This variant causes a frameshift starting with codon Cysteine 166, changes this amino acid to Tryptophan residue, and creates a premature Stop codon at position 15 of the new reading frame, denoted p.Cys166TrpfsTer15. This variant is predicted to cause loss of normal protein function through protein truncation. Loss of function variants have been previously reported to be disease causing. For these reasons, this variant has been classified as Likely Pathogenic.

Literature cited by the submitters: PubMed 11479594 (cited by Labcorp Genetics (formerly Invitae), Labcorp); PubMed 12510040 (cited by Labcorp Genetics (formerly Invitae), Labcorp); PubMed 20925075 (cited by Labcorp Genetics (formerly Invitae), Labcorp); PubMed 28567303 (cited by Labcorp Genetics (formerly Invitae), Labcorp).